The following is an entry in ClinVar:

ClinVar aggregate classification (germline): Likely benign. Review status: criteria provided, multiple submitters, no conflicts (2 of 4 stars). 2 submissions from 2 submitters: Likely benign (2). Last evaluated 2025-11-05.

Conditions:
Inborn genetic diseases. Identifiers: MedGen C0950123, MeSH D030342.

Allele frequency attached by ClinVar (database versions not stated): TOPMed below 0.00001; ExAC 0.00002; gnomAD 0.00001.
gnomAD v4.1: 9 of 1,613,900 alleles (0.00056%); highest among the groups gnomAD compares: East Asian, 0.0045%; no homozygotes.

Submissions (2):

Mayo Clinic Laboratories, Mayo Clinic
Classification: Likely benign. Last evaluated: 2025-11-05. Review status: criteria provided, single submitter. Criteria: ACMG Guidelines, 2015. Collection method: clinical testing. Allele origin: germline. Observed: 1 variant allele.
Comment: BP4, BP7

Ambry Genetics
Classification: Likely benign for Inborn genetic diseases. Last evaluated: 2022-04-05. Review status: criteria provided, single submitter. Criteria: Ambry Variant Classification Scheme 2023. Collection method: clinical testing. Allele origin: germline.

NM_198578.4(LRRK2):c.6447C>T (p.Asn2149=)

Gene: LRRK2 (leucine rich repeat kinase 2; plus strand). Cytogenetic location: 12q12.
Variant type: single nucleotide variant.
Coding change: c.6447C>T on transcript NM_198578.4 (MANE Select); coding-DNA position 6447, C replaced by T.
Protein change: p.Asn2149=; no amino-acid change (asparagine 2149 retained).
Molecular consequence: synonymous variant.
Genome position (GRCh38, 1-based): chr12:40,351,604, C>T. VCF-style: chr12-40351604-C-T. GRCh37 (hg19) VCF-style: chr12-40745406-C-T.
Other names: p.Asn2149=.
Identifiers: ClinVar variation 1753573 (VCV001753573.3), dbSNP rs199733811, ClinGen allele CA6514693.
Genomic context (GRCh38, chr12:40,351,604, plus strand): 5'-TGACATTTTGAATTCAGCTGAATTAGTCTGTCTGACGAGACGCATTTTATTACCTAAAAA[C>T]GTAATTGTTGAATGCATGGTTGCTACACATCACAACAGCAGGAATGCAAGCATTTGGCTG-3'
Protein context (NP_940980.4, residues 2139-2159): CLTRRILLPK[Asn2149=]VIVECMVATH